The following is an entry in ClinVar:

NM_004656.4(BAP1):c.1956G>A (p.Glu652=)

Gene: BAP1 (BRCA1 associated deubiquitinase 1; minus strand). Cytogenetic location: 3p21.1.
Variant type: single nucleotide variant.
Coding change: c.1956G>A on transcript NM_004656.4 (MANE Select); coding-DNA position 1956, G replaced by A.
Protein change: p.Glu652=; no amino-acid change (glutamic acid 652 retained).
Molecular consequence: synonymous variant.
Genome position (GRCh38, 1-based): chr3:52,402,806, C>T on the plus strand (G>A on the coding strand, the complement: BAP1 is on the minus strand). VCF-style: chr3-52402806-C-T. GRCh37 (hg19) VCF-style: chr3-52436822-C-T.
Other names: c.1956G>A (LRG_529t1).
Identifiers: ClinVar variation 485246 (VCV000485246.16), dbSNP rs761399207, ClinGen allele CA2436653.

ClinVar aggregate classification (germline): Benign/Likely benign. Review status: criteria provided, multiple submitters, no conflicts (2 of 4 stars). 5 submissions from 5 submitters: Benign (2); Likely benign (3). Last evaluated 2025-10-23.

Conditions:
Hereditary cancer-predisposing syndrome. Also called: Neoplastic Syndromes, Hereditary; Tumor predisposition; Hereditary Cancer Syndrome; Hereditary neoplastic syndrome. Identifiers: Orphanet 140162, MedGen C0027672, MeSH D009386, MONDO:0015356.
BAP1-related tumor predisposition syndrome (TPDS1). Also called: Tumor susceptibility linked to germline BAP1 mutations; BAP1 tumor predisposition syndrome; COMMON Syndrome; TUMOR PREDISPOSITION SYNDROME 1. Identifiers: Orphanet 289539, MedGen C3280492, MONDO:0013692, OMIM 614327.

Allele frequency attached by ClinVar (database versions not stated): gnomAD 0.00001; gnomAD exomes 0.00005 and 0.00012; TOPMed 0.00005; ExAC 0.00010.
gnomAD v4.1: 32 of 1,614,118 alleles (0.002%); highest among the groups gnomAD compares: Admixed American, 0.053%; no homozygotes.

Submissions (5):

Labcorp Genetics (formerly Invitae), Labcorp
Classification: Benign for BAP1-related tumor predisposition syndrome. Last evaluated: 2025-10-23. Review status: criteria provided, single submitter. Criteria: Invitae Variant Classification Sherloc (09022015). Collection method: clinical testing. Allele origin: germline.

Myriad Genetics, Inc.
Classification: Benign for BAP1-related tumor predisposition syndrome. Last evaluated: 2024-07-17. Review status: criteria provided, single submitter. Criteria: Myriad Autosomal Dominant, Autosomal Recessive and X-Linked Classification Criteria (2023). Collection method: clinical testing. Allele origin: unknown.
Comment: This variant is considered benign. This variant is a silent/synonymous amino acid change and it is not expected to impact splicing.

GeneDx
Classification: Likely benign. Last evaluated: 2018-03-19. Review status: criteria provided, single submitter. Criteria: GeneDx Variant Classification (06012015). Collection method: clinical testing. Allele origin: germline. Affected: yes.
Comment: This variant is considered likely benign or benign based on one or more of the following criteria: it is a conservative change, it occurs at a poorly conserved position in the protein, it is predicted to be benign by multiple in silico algorithms, and/or has population frequency not consistent with disease.

Color Diagnostics, LLC DBA Color Health
Classification: Likely benign for Hereditary cancer-predisposing syndrome. Last evaluated: 2017-11-02. Review status: criteria provided, single submitter. Criteria: ACMG Guidelines, 2015. Collection method: clinical testing. Allele origin: germline.

Ambry Genetics
Classification: Likely benign for Hereditary cancer-predisposing syndrome. Last evaluated: 2016-05-24. Review status: criteria provided, single submitter. Criteria: Ambry Variant Classification Scheme 2023. Collection method: clinical testing. Allele origin: germline.